The following is an entry in ClinVar:

NM_014284.3(NCDN):c.1383C>T (p.Leu461=)

Gene: NCDN (neurochondrin; plus strand). Cytogenetic location: 1p34.3.
Variant type: single nucleotide variant.
Coding change: c.1383C>T on transcript NM_014284.3 (MANE Select); coding-DNA position 1383, C replaced by T.
Protein change: p.Leu461=; no amino-acid change (leucine 461 retained).
Molecular consequence: synonymous variant.
Genome position (GRCh38, 1-based): chr1:35,562,631, C>T. VCF-style: chr1-35562631-C-T. GRCh37 (hg19) VCF-style: chr1-36028232-C-T.
Other names: c.1383C>T, p.Leu461= (NM_001014839.2); c.1332C>T, p.Leu444= (NM_001014841.2).
Identifiers: ClinVar variation 3054111 (VCV003054111.2), dbSNP rs2522871030, ClinGen allele CA417149742.

ClinVar aggregate classification (germline): Likely benign (0 of 4 stars; one submission).

Conditions:
NCDN-related disorder. Also called: NCDN-related condition.

Submission:

PreventionGenetics, part of Exact Sciences
Classification: Likely benign for NCDN-related condition. Last evaluated: 2022-10-05. Review status: no assertion criteria provided. Collection method: clinical testing. Allele origin: germline.
Comment: This variant is classified as likely benign based on ACMG/AMP sequence variant interpretation guidelines (Richards et al. 2015 PMID: 25741868, with internal and published modifications).